The following is an entry in ClinVar:

NM_002693.3(POLG):c.1846del (p.Glu616fs)

Gene: POLG (DNA polymerase gamma, catalytic subunit; minus strand). Cytogenetic location: 15q26.1.
Variant type: Deletion.
Coding change: c.1846del on transcript NM_002693.3 (MANE Select); coding-DNA position 1846, one base deleted (G; older notation c.1846delG).
Protein change: p.Glu616fs; shifts the reading frame from glutamic acid 616.
Molecular consequence: frameshift variant.
Genome position (GRCh38, 1-based): chr15:89,325,553, C deleted on the plus strand (G on the coding strand, the reverse complement: POLG is on the minus strand). VCF-style (leftmost placement, unchanged base first): chr15-89325552-TC-T. GRCh37 (hg19) VCF-style: chr15-89868783-TC-T.
Other names: c.1846del, p.Glu616fs (NM_001126131.2); short protein forms E616fs.
Identifiers: ClinVar variation 1457770 (VCV001457770.7), dbSNP rs2152065886, ClinGen allele CA2573151270.

ClinVar aggregate classification (germline): Pathogenic. Review status: criteria provided, multiple submitters, no conflicts (2 of 4 stars). 2 submissions from 2 submitters: Pathogenic (2). Last evaluated 2025-12-31.

Conditions:
Progressive sclerosing poliodystrophy (MTDPS4A). Also called: Mitochondrial DNA Depletion Syndrome 4A; Alpers-Huttenlocher Syndrome (AHS); ALPERS PROGRESSIVE INFANTILE POLIODYSTROPHY; Alpers Syndrome; ALPERS DIFFUSE DEGENERATION OF CEREBRAL GRAY MATTER WITH HEPATIC CIRRHOSIS; Alpers-Huttenlocher Syndrome. Identifiers: Orphanet 726, MedGen C0205710, MONDO:0008758, OMIM 203700.
POLG-related disorder. Also called: POLG-related condition; POLG-Related Disorders; POLG-Related Spectrum Disorders. Identifiers: MedGen C4763519.

Submissions (2):

Labcorp Genetics (formerly Invitae), Labcorp
Classification: Pathogenic for Progressive sclerosing poliodystrophy. Last evaluated: 2025-12-31. Review status: criteria provided, single submitter. Criteria: Invitae Variant Classification Sherloc (09022015). Collection method: clinical testing. Allele origin: germline.
Comment: This sequence change creates a premature translational stop signal (p.Glu616Serfs*53) in the POLG gene. It is expected to result in an absent or disrupted protein product. Loss-of-function variants in POLG are known to be pathogenic (PMID: 18546365). This variant is not present in population databases (gnomAD no frequency). This variant has not been reported in the literature in individuals affected with POLG-related conditions. ClinVar contains an entry for this variant (Variation ID: 1457770). For these reasons, this variant has been classified as Pathogenic.

Myriad Genetics, Inc.
Classification: Pathogenic for POLG-related disorder. Last evaluated: 2024-08-15. Review status: criteria provided, single submitter. Criteria: Myriad Autosomal Dominant, Autosomal Recessive and X-Linked Classification Criteria (2023). Collection method: clinical testing. Allele origin: unknown.
Comment: NM_002693.2(POLG):c.1846delG(E616Sfs*53) is expected to be pathogenic in the context of POLG-related disorders. This variant is predicted to lead to an abnormal or absent protein product due to the creation of a premature termination codon in POLG, a gene where loss-of-function variants are known to be pathogenic. Please note: this variant was assessed in the context of healthy population screening.

Literature cited by the submitters: PubMed 18546365 (cited by Labcorp Genetics (formerly Invitae), Labcorp).